The following is an entry in ClinVar:

NM_021008.4(DEAF1):c.1277T>C (p.Leu426Pro)

Genes: DEAF1 (DEAF1 transcription factor; minus strand), LOC126861109 (BRD4-independent group 4 enhancer GRCh37_chr11:673917-675116; plus strand). Cytogenetic location: 11p15.5.
Variant type: single nucleotide variant.
Coding change: c.1277T>C on transcript NM_021008.4 (MANE Select); coding-DNA position 1277, T replaced by C.
Protein change: p.Leu426Pro; replaces leucine 426 with proline.
Molecular consequence: missense variant.
Genome position (GRCh38, 1-based): chr11:674,762, A>G on the plus strand (T>C on the coding strand, the complement: DEAF1 is on the minus strand). VCF-style: chr11-674762-A-G. GRCh37 (hg19) VCF-style: chr11-674762-A-G.
Other names: c.1010T>C, p.Leu337Pro (NM_001293634.2); c.551T>C, p.Leu184Pro (NM_001367390.1); c.1277T>C (NM_021008.2); short protein forms L184P, L426P, L337P.
Identifiers: ClinVar variation 2087278 (VCV002087278.5), dbSNP rs2494380269, ClinGen allele CA378924477.

ClinVar aggregate classification (germline): Uncertain significance. Review status: criteria provided, multiple submitters, no conflicts (2 of 4 stars). 2 submissions from 2 submitters: Uncertain significance (2). Last evaluated 2025-08-08.

Submissions (2):

GeneDx
Classification: Uncertain significance. Last evaluated: 2025-08-08. Review status: criteria provided, single submitter. Criteria: GeneDx Variant Classification Process June 2021. Collection method: clinical testing. Allele origin: germline. Affected: yes.
Comment: Not observed at significant frequency in large population cohorts (gnomAD); In silico analysis suggests that this missense variant does not alter protein structure/function; Has not been previously published as pathogenic or benign to our knowledge

Labcorp Genetics (formerly Invitae), Labcorp
Classification: Uncertain significance. Last evaluated: 2022-01-17. Review status: criteria provided, single submitter. Criteria: Invitae Variant Classification Sherloc (09022015). Collection method: clinical testing. Allele origin: germline.
Comment: This variant has not been reported in the literature in individuals affected with DEAF1-related conditions. In summary, the available evidence is currently insufficient to determine the role of this variant in disease. Therefore, it has been classified as a Variant of Uncertain Significance. Advanced modeling of protein sequence and biophysical properties (such as structural, functional, and spatial information, amino acid conservation, physicochemical variation, residue mobility, and thermodynamic stability) performed at Invitae indicates that this missense variant is expected to disrupt DEAF1 protein function. This variant is not present in population databases (gnomAD no frequency). This sequence change replaces leucine, which is neutral and non-polar, with proline, which is neutral and non-polar, at codon 426 of the DEAF1 protein (p.Leu426Pro).